The following is an entry in ClinVar:

ClinVar aggregate classification (germline): Uncertain significance (1 of 4 stars; one submission).

Submission:

GeneDx
Classification: Uncertain significance. Last evaluated: 2026-04-01. Review status: criteria provided, single submitter. Criteria: GeneDx Variant Classification Process June 2021. Collection method: clinical testing. Allele origin: germline.
Comment: Not observed at significant frequency in large population cohorts (gnomAD); In-frame deletion of one amino acid in a non-repeat region; In silico analysis supports a deleterious effect on protein structure/function; Has not been previously published as pathogenic or benign to our knowledge

NM_001854.4(COL11A1):c.566_568del (p.Pro189del)

Gene: COL11A1 (collagen type XI alpha 1 chain; minus strand). Cytogenetic location: 1p21.1.
Variant type: Deletion.
Coding change: c.566_568del on transcript NM_001854.4 (MANE Select); coding-DNA positions 566 to 568, 3 bases deleted (CAC; older notation c.566_568delCAC).
Protein change: p.Pro189del; deletes proline 189.
Molecular consequence: inframe deletion. On other transcripts: non-coding transcript variant (1).
Genome position (GRCh38, 1-based): chr1:103,074,701-103,074,703, GTG deleted on the plus strand (CAC on the coding strand, the reverse complement: COL11A1 is on the minus strand); deleting any 3 consecutive bases within chr1:103,074,701-103,074,705 gives the same sequence; the c. name uses the placement nearest the transcript's 3' end. VCF-style (leftmost placement, unchanged base first): chr1-103074700-AGTG-A. GRCh37 (hg19) VCF-style: chr1-103540256-AGTG-A.
Other names: c.566_568del, p.Pro189del (NM_001190709.2, NM_080629.3, NM_080630.4); short protein forms P189del.
Identifiers: ClinVar variation 5017132 (VCV005017132.1).